The following is an entry in ClinVar:

ClinVar aggregate classification (germline): Likely pathogenic. Review status: criteria provided, multiple submitters, no conflicts (2 of 4 stars). 2 submissions from 2 submitters: Likely pathogenic (2). Last evaluated 2019-05-15.

Conditions:
Hypercalcemia, infantile, 1 (HCINF1). Identifiers: Orphanet 300547, MedGen CN031131, MONDO:0020739, OMIM 143880.
CYP24A1-related disorders.

gnomAD v4.1: 4 of 1,581,312 alleles (0.00025%); highest among the groups gnomAD compares: East Asian, 0.0091%; no homozygotes.

Submissions (2):

Blueprint Genetics
Classification: Likely pathogenic for CYP24A1-related disorders. Last evaluated: 2019-05-15. Review status: criteria provided, single submitter. Criteria: ACMG Guidelines, 2015. Collection method: clinical testing. Allele origin: germline. Affected: yes. Observed: 1 variant allele.

Juno Genomics, Hangzhou Juno Genomics, Inc
Classification: Likely pathogenic for Hypercalcemia, infantile, 1. Review status: criteria provided, single submitter. Criteria: ACMG Guidelines, 2015. Collection method: clinical testing. Allele origin: germline.
Comment: Null variant in a gene where loss of function (LOF) is a known mechanism of disease.;Absent from controls (or at extremely low frequency if recessive) in Genome Aggregation Database.

NM_000782.5(CYP24A1):c.19A>T (p.Lys7Ter)

Gene: CYP24A1 (cytochrome P450 family 24 subfamily A member 1; minus strand). Cytogenetic location: 20q13.2.
Variant type: single nucleotide variant.
Coding change: c.19A>T on transcript NM_000782.5 (MANE Select); coding-DNA position 19, A replaced by T.
Protein change: p.Lys7Ter; replaces lysine 7 with a stop codon.
Molecular consequence: nonsense.
Genome position (GRCh38, 1-based): chr20:54,173,561, T>A on the plus strand (A>T on the coding strand, the complement: CYP24A1 is on the minus strand). VCF-style: chr20-54173561-T-A. GRCh37 (hg19) VCF-style: chr20-52790100-T-A.
Other names: c.19A>T, p.Lys7Ter (NM_001128915.2, NM_001424340.1, NM_001424341.1 and 2 more transcripts); short protein forms K7*.
Identifiers: ClinVar variation 4945414 (VCV004945414.3).
Genomic context (GRCh38, chr20:54,173,561, plus strand): 5'-GTCTCGGGGGCTGCCTCGGACTGCGCAGCTGCTGCAGGAAGGCGGCAAGCGAGCGGCTCT[T>A]GCTGATGGGGGAGCTCATGGCAGCGGGGGACACCGGAGCGCGGGAAGGCAGGAGGATGGG-3'